The following is an entry in ClinVar:

NM_006516.4(SLC2A1):c.418G>C (p.Val140Leu)

Gene: SLC2A1 (solute carrier family 2 member 1; minus strand). Cytogenetic location: 1p34.2.
Variant type: single nucleotide variant.
Coding change: c.418G>C on transcript NM_006516.4 (MANE Select); coding-DNA position 418, G replaced by C.
Protein change: p.Val140Leu; replaces valine 140 with leucine.
Molecular consequence: missense variant.
Genome position (GRCh38, 1-based): chr1:42,930,724, C>G on the plus strand (G>C on the coding strand, the complement: SLC2A1 is on the minus strand). VCF-style: chr1-42930724-C-G. GRCh37 (hg19) VCF-style: chr1-43396395-C-G.
Other names: short protein forms V140L.
Identifiers: ClinVar variation 538677 (VCV000538677.9), dbSNP rs1057517822, ClinGen allele CA339960777.
Genomic context (GRCh38, chr1:42,930,724, plus strand): 5'-GCAGGGTGCCCAGGGCCCCACGAAGGGCTGTGGGTGACACTTCACCCACATACATGGGCA[C>G]GAAGCCTGTGGTCAGGCCGCAGTACACACCGATGATGAAGCGGCCCAGGATCAGCATCTC-3'
Protein context (NP_006507.2, residues 130-150): GVYCGLTTGF[Val140Leu]PMYVGEVSPT

ClinVar aggregate classification (germline): Pathogenic (1 of 4 stars; one submission).

Conditions:
GLUT1 deficiency syndrome 1, autosomal recessive. Identifiers: MedGen C3149117.

Submission:

Labcorp Genetics (formerly Invitae), Labcorp
Classification: Pathogenic for GLUT1 deficiency syndrome 1, autosomal recessive. Last evaluated: 2025-07-23. Review status: criteria provided, single submitter. Criteria: Invitae Variant Classification Sherloc (09022015). Collection method: clinical testing. Allele origin: germline.
Comment: This sequence change replaces valine, which is neutral and non-polar, with leucine, which is neutral and non-polar, at codon 140 of the SLC2A1 protein (p.Val140Leu). This variant is not present in population databases (gnomAD no frequency). This missense change has been observed in individual(s) with SLC2A1-related conditions (PMID: 31273778; internal data). ClinVar contains an entry for this variant (Variation ID: 538677). Invitae Evidence Modeling of protein sequence and biophysical properties (such as structural, functional, and spatial information, amino acid conservation, physicochemical variation, residue mobility, and thermodynamic stability) indicates that this missense variant is expected to disrupt SLC2A1 protein function with a positive predictive value of 95%. This variant disrupts the p.Val140 amino acid residue in SLC2A1. Other variant(s) that disrupt this residue have been determined to be pathogenic (PMID: 18577546, 29356177). This suggests that this residue is clinically significant, and that variants that disrupt this residue are likely to be disease-causing. For these reasons, this variant has been classified as Pathogenic.

Literature cited by the submitters: PubMed 31273778; PubMed 18577546; PubMed 29356177.